The following is an entry in ClinVar:

ClinVar aggregate classification (germline): Uncertain significance. Review status: criteria provided, multiple submitters, no conflicts (2 of 4 stars). 2 submissions from 2 submitters: Uncertain significance (2). Last evaluated 2025-05-30.

Conditions:
Hypertrophic cardiomyopathy 11. Also called: ACTC1-Related Familial Hypertrophic Cardiomyopathy. Identifiers: MedGen C2677506, MONDO:0012799, OMIM 612098.
Dilated cardiomyopathy 1R (CMD1R). Identifiers: Orphanet 154, Orphanet 54260, MedGen C3150681, MONDO:0013261, OMIM 613424.
Atrial septal defect 5 (ASD5). Identifiers: Orphanet 1478, MedGen C2748552, MONDO:0013011, OMIM 612794.
Cardiovascular phenotype. Identifiers: MedGen CN230736.

Submissions (2):

Labcorp Genetics (formerly Invitae), Labcorp
Classification: Uncertain significance for Dilated cardiomyopathy 1R; Hypertrophic cardiomyopathy 11; Atrial septal defect 5. Last evaluated: 2025-05-30. Review status: criteria provided, single submitter. Criteria: Invitae Variant Classification Sherloc (09022015). Collection method: clinical testing. Allele origin: germline.
Comment: This sequence change replaces alanine, which is neutral and non-polar, with proline, which is neutral and non-polar, at codon 323 of the ACTC1 protein (p.Ala323Pro). This variant is not present in population databases (gnomAD no frequency). This variant has not been reported in the literature in individuals affected with ACTC1-related conditions. ClinVar contains an entry for this variant (Variation ID: 520303). Invitae Evidence Modeling of protein sequence and biophysical properties (such as structural, functional, and spatial information, amino acid conservation, physicochemical variation, residue mobility, and thermodynamic stability) indicates that this missense variant is expected to disrupt ACTC1 protein function with a positive predictive value of 80%. In summary, the available evidence is currently insufficient to determine the role of this variant in disease. Therefore, it has been classified as a Variant of Uncertain Significance.

Ambry Genetics
Classification: Uncertain significance for Cardiovascular phenotype. Last evaluated: 2016-09-20. Review status: criteria provided, single submitter. Criteria: Ambry Variant Classification Scheme 2023. Collection method: clinical testing. Allele origin: germline.
Comment: The p.A323P variant (also known as c.967G>C), located in coding exon 5 of the ACTC1 gene, results from a G to C substitution at nucleotide position 967. The alanine at codon 323 is replaced by proline, an amino acid with highly similar properties. This variant was not reported in population based cohorts in the following databases: Database of Single Nucleotide Polymorphisms (dbSNP), NHLBI Exome Sequencing Project (ESP), Exome Aggregation Consortium (ExAC) and 1000 Genomes Project. In the ESP, this variant was not observed in 6499 samples (12998 alleles) with coverage at this position. Based on internal structural analysis, this alteration disrupts the structure near a polymerization interface, and may impair fiber formation (von der Ecken J et al. Nature. 2016;534(7609):724-8). Another alteration affecting this amino acid (p.A323V, c.968C>T) has been previously detected in a patient reported to have hypertrophic cardiomyopathy who also had a variant in MYBPC3 (Maron BJ. Heart Rhythm. 2012;9(1):57-63). This amino acid position is highly conserved in available vertebrate species. In addition, this alteration is predicted to be deleterious by in silico analysis. Since supporting evidence is limited at this time, the clinical significance of this alteration remains unclear.

NM_005159.5(ACTC1):c.967G>C (p.Ala323Pro)

Genes: ACTC1 (actin alpha cardiac muscle 1; minus strand), GJD2-DT (GJD2 divergent transcript; plus strand). Cytogenetic location: 15q14.
Variant type: single nucleotide variant.
Coding change: c.967G>C on transcript NM_005159.5 (MANE Select); coding-DNA position 967, G replaced by C.
Protein change: p.Ala323Pro; replaces alanine 323 with proline.
Molecular consequence: missense variant.
Genome position (GRCh38, 1-based): chr15:34,791,137, C>G on the plus strand (G>C on the coding strand, the complement: ACTC1 is on the minus strand). VCF-style: chr15-34791137-C-G. GRCh37 (hg19) VCF-style: chr15-35083338-C-G.
Other names: c.967G>C (LRG_388t1); short protein forms A323P.
Identifiers: ClinVar variation 520303 (VCV000520303.9), dbSNP rs771011464, ClinGen allele CA391629322.